The following is an entry in ClinVar:

NM_020750.3(XPO5):c.294T>G (p.Ile98Met)

Gene: XPO5 (exportin 5; minus strand). Cytogenetic location: 6p21.1.
Variant type: single nucleotide variant.
Coding change: c.294T>G on transcript NM_020750.3 (MANE Select); coding-DNA position 294, T replaced by G.
Protein change: p.Ile98Met; replaces isoleucine 98 with methionine.
Molecular consequence: missense variant. On other transcripts: non-coding transcript variant (1).
Genome position (GRCh38, 1-based): chr6:43,572,512, A>C on the plus strand (T>G on the coding strand, the complement: XPO5 is on the minus strand). VCF-style: chr6-43572512-A-C. GRCh37 (hg19) VCF-style: chr6-43540249-A-C.
Other names: short protein forms I98M.
Identifiers: ClinVar variation 4769185 (VCV004769185.1).

ClinVar aggregate classification (germline): Uncertain significance (1 of 4 stars; one submission).

gnomAD v4.1: 4 of 1,613,968 alleles (0.00025%); highest among the groups gnomAD compares: East Asian, 0.0089%; no homozygotes.

Submission:

Labcorp Genetics (formerly Invitae), Labcorp
Classification: Uncertain significance. Last evaluated: 2025-03-18. Review status: criteria provided, single submitter. Criteria: Invitae Variant Classification Sherloc (09022015). Collection method: clinical testing. Allele origin: germline.
Comment: This sequence change replaces isoleucine, which is neutral and non-polar, with methionine, which is neutral and non-polar, at codon 98 of the XPO5 protein (p.Ile98Met). This variant is present in population databases (rs767346858, gnomAD 0.006%). This variant has not been reported in the literature in individuals affected with XPO5-related conditions. An algorithm developed to predict the effect of missense changes on protein structure and function outputs the following: PolyPhen-2: "Benign". The methionine amino acid residue is found in multiple mammalian species, which suggests that this missense change does not adversely affect protein function. In summary, the available evidence is currently insufficient to determine the role of this variant in disease. Therefore, it has been classified as a Variant of Uncertain Significance.